The following is an entry in ClinVar:

NM_000387.6(SLC25A20):c.897dup (p.Asn300fs)

Gene: SLC25A20 (solute carrier family 25 member 20; minus strand). Cytogenetic location: 3p21.31.
Variant type: Duplication.
Coding change: c.897dup on transcript NM_000387.6 (MANE Select); coding-DNA position 897, one base duplicated (C; older notation c.897dupC).
Protein change: p.Asn300fs; shifts the reading frame from asparagine 300.
Molecular consequence: frameshift variant.
Genome position (GRCh38, 1-based): chr3:48,857,719, G duplicated on the plus strand (C on the coding strand, the reverse complement: SLC25A20 is on the minus strand); the first of 5 consecutive G bases (chr3:48,857,719-48,857,723); duplicating any one gives the same sequence. VCF-style (leftmost placement, unchanged base first): chr3-48857718-T-TG. GRCh37 (hg19) VCF-style: chr3-48895151-T-TG.
Other names: short protein forms N300fs.
Identifiers: ClinVar variation 12132 (VCV000012132.11), dbSNP rs587776759, ClinGen allele CA121912.
Genomic context (GRCh38, chr3:48,857,718, plus strand): 5'-TCCTCAACGACAGCTTCCAGCATCCAGAAGTGAACTTGAGCAGCCTTCAGCCTCACAAGT[T>TG]GGGGGTGGCCCAATTAAGGAACTTCATGGCAACTTCAAAGCCAAGGAAACAGGCCTAAGA-3'

ClinVar aggregate classification (germline): Pathogenic/Likely pathogenic. Review status: criteria provided, multiple submitters, no conflicts (2 of 4 stars). 4 submissions from 4 submitters: Pathogenic (2); Likely pathogenic (1). 1 of the submissions does not count toward it. Last evaluated 2024-08-09.

Conditions:
SLC25A20-related disorder. Also called: SLC25A20-related condition.
Carnitine acylcarnitine translocase deficiency (CACTD). Identifiers: Orphanet 159, MedGen C0342791, MONDO:0008918, OMIM 212138.

Submissions (4):

Blueprint Genetics
Classification: Likely pathogenic for SLC25A20-related disorders. Last evaluated: 2024-08-09. Review status: criteria provided, single submitter. Criteria: ACMG Guidelines, 2015. Collection method: clinical testing. Allele origin: germline. Affected: yes. Observed: 5 variant alleles.

Labcorp Genetics (formerly Invitae), Labcorp
Classification: Pathogenic for Carnitine acylcarnitine translocase deficiency. Last evaluated: 2023-02-16. Review status: criteria provided, single submitter. Criteria: Invitae Variant Classification Sherloc (09022015). Collection method: clinical testing. Allele origin: germline.
Comment: This sequence change results in a frameshift in the SLC25A20 gene (p.Asn300Glnfs*24). While this is not anticipated to result in nonsense mediated decay, it is expected to disrupt the last 2 amino acid(s) of the SLC25A20 protein and extend the protein by 21 additional amino acid residues. This variant is present in population databases (no rsID available, gnomAD 0.0009%). This frameshift has been observed in individual(s) with carnitine-acylcarnitine translocase deficiency (PMID: 9399886; Invitae). This variant is also known as 955-959insC. ClinVar contains an entry for this variant (Variation ID: 12132). Algorithms developed to predict the effect of variants on protein structure and function are not available or were not evaluated for this variant. Experimental studies have shown that this frameshift affects SLC25A20 function (PMID: 11162577). For these reasons, this variant has been classified as Pathogenic.

Women's Health and Genetics/Laboratory Corporation of America, LabCorp
Classification: Pathogenic for Carnitine acylcarnitine translocase deficiency. Last evaluated: 2021-03-17. Review status: criteria provided, single submitter. Criteria: LabCorp Variant Classification Summary - May 2015. Collection method: clinical testing. Allele origin: germline.
Comment: Variant summary: SLC25A20 c.897dupC (p.Asn300GlnfsX24) causes a frameshift which results in an extension of the protein. The variant allele was found at a frequency of 4e-06 in 250746 control chromosomes. c.897dupC has been reported in the literature in at-least two homozygous individuals affected with Carnitine-Acylcarnitine Translocase Deficiency and subsequently cited by others (example, Huizing_1997, Wang_2011, Ijlst_2001, Costa_2003, Palmieri_2020). These data indicate that the variant is likely to be associated with disease. At least two publications report experimental evidence evaluating an impact on protein function. The most pronounced variant effect results in non-detectable to 10% of normal carnitine acylcarnitine translocase (CACT) activity (example, Huizing_1997, IJlst_2001). No clinical diagnostic laboratories have submitted clinical-significance assessments for this variant to ClinVar after 2014. Based on the evidence outlined above, the variant was classified as pathogenic.

OMIM
Classification: Pathogenic for CARNITINE-ACYLCARNITINE TRANSLOCASE DEFICIENCY. Last evaluated: 1997-12-01. Review status: no assertion criteria provided. Collection method: literature only. Allele origin: germline. Not counted in ClinVar's aggregate classification.

Literature cited by the submitters: PubMed 9399886 (cited by 3 submitters); PubMed 11162577 (cited by Labcorp Genetics (formerly Invitae), Labcorp and Women's Health and Genetics/Laboratory Corporation of America, LabCorp); PubMed 12559850 (cited by Women's Health and Genetics/Laboratory Corporation of America, LabCorp); PubMed 21605995 (cited by Women's Health and Genetics/Laboratory Corporation of America, LabCorp); PubMed 32340404 (cited by Women's Health and Genetics/Laboratory Corporation of America, LabCorp).